The following is an entry in ClinVar:

NM_007294.4(BRCA1):c.4039A>T (p.Arg1347Ter)

Genes: BRCA1 (BRCA1 DNA repair associated; minus strand), LOC126862571 (BRD4-independent group 4 enhancer GRCh37_chr17:41243136-41244335; plus strand). Cytogenetic location: 17q21.31.
Variant type: single nucleotide variant.
Coding change: c.4039A>T on transcript NM_007294.4 (MANE Select); coding-DNA position 4039, A replaced by T.
Protein change: p.Arg1347Ter; replaces arginine 1347 with a stop codon.
Molecular consequence: nonsense. On other transcripts: intron variant (135).
Genome position (GRCh38, 1-based): chr17:43,091,492, T>A on the plus strand (A>T on the coding strand, the complement: BRCA1 is on the minus strand). VCF-style: chr17-43091492-T-A. GRCh37 (hg19) VCF-style: chr17-41243509-T-A.
Other names: c.647-460A>T (NM_001408458.1, NM_001408469.1, NM_001408453.1 and 11 more transcripts); c.284-460A>T (NM_001408512.1); c.407-460A>T (NM_001408510.1); c.644-460A>T (NM_001408470.1, NM_001408464.1, NM_001408468.1 and 3 more transcripts); c.785-460A>T (NM_001408397.1, NM_001408401.1, NM_001408396.1 and 13 more transcripts); c.665-460A>T (NM_001408436.1, NM_001408444.1, NM_001408438.1 and 12 more transcripts); c.788-460A>T (NM_001407980.1, NM_001407993.1, NM_001407976.1 and 17 more transcripts); c.653-460A>T (NM_001408451.1); and 41 more; short protein forms R1347*, R1300*, R1235*, R1236*, R1279*, R1280*, R1320*, R1321*.
Identifiers: ClinVar variation 531295 (VCV000531295.18), dbSNP rs28897689, ClinGen allele CA10593880.

ClinVar aggregate classification (germline): Pathogenic. Review status: criteria provided, multiple submitters, no conflicts (2 of 4 stars). 4 submissions from 4 submitters: Pathogenic (4). Last evaluated 2025-11-23.

Conditions:
Hereditary breast ovarian cancer syndrome. Also called: Breast and ovarian cancer; Hereditary breast and/or ovarian cancer syndrome; BRCA1- and BRCA2-Associated Hereditary Breast and Ovarian Cancer; Hereditary breast and ovarian cancer syndrome; Hereditary breast and ovarian cancer syndrome (HBOC); Hereditary breast and ovarian cancer. Identifiers: Orphanet 145, MedGen C0677776, MeSH D061325, MONDO:0003582. Disease mechanism: loss of function.
Breast-ovarian cancer, familial, susceptibility to, 1 (BROVCA1). Also called: BRCA1 Hereditary Breast and Ovarian Cancer; OVARIAN CANCER, SUSCEPTIBILITY TO. Identifiers: Orphanet 145, MedGen C2676676, MONDO:0011450, OMIM 604370. Disease mechanism: loss of function.
Hereditary cancer-predisposing syndrome. Also called: Tumor predisposition; Hereditary Cancer Syndrome; Hereditary neoplastic syndrome; Neoplastic Syndromes, Hereditary. Identifiers: Orphanet 140162, MedGen C0027672, MeSH D009386, MONDO:0015356.

gnomAD v4.1: 1 of 1,613,540 alleles (0.000062%); highest among the groups gnomAD compares: South Asian, 0.0011%; no homozygotes.

Submissions (4):

Labcorp Genetics (formerly Invitae), Labcorp
Classification: Pathogenic for Hereditary breast ovarian cancer syndrome. Last evaluated: 2025-11-23. Review status: criteria provided, single submitter. Criteria: Invitae Variant Classification Sherloc (09022015). Collection method: clinical testing. Allele origin: germline.
Comment: This sequence change creates a premature translational stop signal (p.Arg1347*) in the BRCA1 gene. It is expected to result in an absent or disrupted protein product. Loss-of-function variants in BRCA1 are known to be pathogenic (PMID: 20104584). This variant is not present in population databases (gnomAD no frequency). This variant has not been reported in the literature in individuals affected with BRCA1-related conditions. ClinVar contains an entry for this variant (Variation ID: 531295). For these reasons, this variant has been classified as Pathogenic.

Ambry Genetics
Classification: Pathogenic for Hereditary cancer-predisposing syndrome. Last evaluated: 2025-09-03. Review status: criteria provided, single submitter. Criteria: Ambry Variant Classification Scheme 2023. Collection method: clinical testing. Allele origin: germline.
Comment: The p.R1347* pathogenic mutation (also known as c.4039A>T), located in coding exon 9 of the BRCA1 gene, results from an A to T substitution at nucleotide position 4039. This changes the amino acid from an arginine to a stop codon within coding exon 9. This variant is considered to be rare based on population cohorts in the Genome Aggregation Database (gnomAD). This alteration is expected to result in loss of function by premature protein truncation or nonsense-mediated mRNA decay. As such, this alteration is interpreted as a disease-causing mutation.

Neuberg Centre For Genomic Medicine, NCGM
Classification: Pathogenic for Breast-ovarian cancer, familial, susceptibility to, 1. Last evaluated: 2023-05-20. Review status: criteria provided, single submitter. Criteria: ACMG Guidelines, 2015. Collection method: clinical testing. Allele origin: germline. Inheritance: Autosomal dominant inheritance. Affected: yes.
Comment: The stop gained c.4039A>T (p.Arg1347Ter) variant in the BRCA1 gene has not been reported previously as a pathogenic variant nor as a benign variant, to our knowledge. The variant is absent in gnomAD Exomes. The variant has been submitted in ClinVar database as Pathogenic. This variant is predicted to cause loss of normal protein function through protein truncation. Loss of function variants have been previously reported to be disease causing. Computational evidence (MutationTaster - Disease causing) predicts damaging effect on protein structure and function for this variant. The nucleotide change c.4039A>T in BRCA1 is predicted as conserved by GERP++ and PhyloP across 100 vertebrates. For these reasons, this variant has been classified as Pathogenic.

Color Diagnostics, LLC DBA Color Health
Classification: Pathogenic for Hereditary cancer-predisposing syndrome. Last evaluated: 2020-05-06. Review status: criteria provided, single submitter. Criteria: ACMG Guidelines, 2015. Collection method: clinical testing. Allele origin: germline.
Comment: This variant changes 1 nucleotide in exon 10 of the BRCA1 gene, creating a premature translation stop signal. This variant is expected to result in an absent or non-functional protein product. To our knowledge, this variant has not been reported in individuals affected with hereditary cancer in the literature. This variant has not been identified in the general population by the Genome Aggregation Database (gnomAD). Loss of BRCA1 function is a known mechanism of disease. Based on the available evidence, this variant is classified as Pathogenic.

Literature cited by the submitters: PubMed 20104584 (cited by Labcorp Genetics (formerly Invitae), Labcorp).